The following is an entry in ClinVar:

NM_003482.4(KMT2D):c.7673C>T (p.Pro2558Leu)

Gene: KMT2D (lysine methyltransferase 2D; minus strand). Cytogenetic location: 12q13.12.
Variant type: single nucleotide variant.
Coding change: c.7673C>T on transcript NM_003482.4 (MANE Select); coding-DNA position 7673, C replaced by T.
Protein change: p.Pro2558Leu; replaces proline 2558 with leucine.
Molecular consequence: missense variant.
Genome position (GRCh38, 1-based): chr12:49,040,097, G>A on the plus strand (C>T on the coding strand, the complement: KMT2D is on the minus strand). VCF-style: chr12-49040097-G-A. GRCh37 (hg19) VCF-style: chr12-49433880-G-A.
Other names: short protein forms P2558L.
Identifiers: ClinVar variation 2761355 (VCV002761355.3), dbSNP rs2120522139, ClinGen allele CA384747200.

ClinVar aggregate classification (germline): Uncertain significance (1 of 4 stars; one submission).

Conditions:
Kabuki syndrome. Also called: NIIKAWA-KUROKI SYNDROME; Kabuki make-up syndrome. Identifiers: Orphanet 2322, MedGen C0796004, MONDO:0016512.

Submission:

Labcorp Genetics (formerly Invitae), Labcorp
Classification: Uncertain significance for Kabuki syndrome. Last evaluated: 2023-09-17. Review status: criteria provided, single submitter. Criteria: Invitae Variant Classification Sherloc (09022015). Collection method: clinical testing. Allele origin: germline.
Comment: In summary, the available evidence is currently insufficient to determine the role of this variant in disease. Therefore, it has been classified as a Variant of Uncertain Significance. Advanced modeling of protein sequence and biophysical properties (such as structural, functional, and spatial information, amino acid conservation, physicochemical variation, residue mobility, and thermodynamic stability) performed at Invitae indicates that this missense variant is not expected to disrupt KMT2D protein function. This variant has not been reported in the literature in individuals affected with KMT2D-related conditions. This variant is not present in population databases (gnomAD no frequency). This sequence change replaces proline, which is neutral and non-polar, with leucine, which is neutral and non-polar, at codon 2558 of the KMT2D protein (p.Pro2558Leu).